The following is an entry in ClinVar:

NM_152743.4(BRAT1):c.1376G>T (p.Ser459Ile)

Gene: BRAT1 (BRCA1 associated ATM activator 1; minus strand). Cytogenetic location: 7p22.3.
Variant type: single nucleotide variant.
Coding change: c.1376G>T on transcript NM_152743.4 (MANE Select); coding-DNA position 1376, G replaced by T.
Protein change: p.Ser459Ile; replaces serine 459 with isoleucine.
Molecular consequence: missense variant. On other transcripts: non-coding transcript variant (1).
Genome position (GRCh38, 1-based): chr7:2,540,998, C>A on the plus strand (G>T on the coding strand, the complement: BRAT1 is on the minus strand). VCF-style: chr7-2540998-C-A. GRCh37 (hg19) VCF-style: chr7-2580632-C-A.
Other names: c.1376G>T, p.Ser459Ile (NM_001350626.2); c.851G>T, p.Ser284Ile (NM_001350627.2); short protein forms S459I, S284I.
Identifiers: ClinVar variation 857561 (VCV000857561.8), dbSNP rs765815699, ClinGen allele CA366628688.

ClinVar aggregate classification (germline): Uncertain significance (1 of 4 stars; one submission).

Conditions:
Neonatal-onset encephalopathy with rigidity and seizures. Also called: Lethal neonatal spasticity-epileptic encephalopathy syndrome. Identifiers: Orphanet 435845, MedGen C3281029, MONDO:0013784, OMIM 614498.

Submission:

Labcorp Genetics (formerly Invitae), Labcorp
Classification: Uncertain significance for Neonatal-onset encephalopathy with rigidity and seizures. Last evaluated: 2023-08-30. Review status: criteria provided, single submitter. Criteria: Invitae Variant Classification Sherloc (09022015). Collection method: clinical testing. Allele origin: germline.
Comment: In summary, the available evidence is currently insufficient to determine the role of this variant in disease. Therefore, it has been classified as a Variant of Uncertain Significance. Advanced modeling of protein sequence and biophysical properties (such as structural, functional, and spatial information, amino acid conservation, physicochemical variation, residue mobility, and thermodynamic stability) performed at Invitae indicates that this missense variant is expected to disrupt BRAT1 protein function. ClinVar contains an entry for this variant (Variation ID: 857561). This variant has not been reported in the literature in individuals affected with BRAT1-related conditions. This variant is not present in population databases (gnomAD no frequency). This sequence change replaces serine, which is neutral and polar, with isoleucine, which is neutral and non-polar, at codon 459 of the BRAT1 protein (p.Ser459Ile).